The following is an entry in ClinVar:

ClinVar aggregate classification (germline): Uncertain significance. Review status: criteria provided, multiple submitters, no conflicts (2 of 4 stars). 2 submissions from 2 submitters: Uncertain significance (2). Last evaluated 2025-11-18.

Conditions:
Hereditary cancer-predisposing syndrome. Also called: Neoplastic Syndromes, Hereditary; Hereditary neoplastic syndrome; Hereditary Cancer Syndrome; Tumor predisposition. Identifiers: Orphanet 140162, MedGen C0027672, MeSH D009386, MONDO:0015356.
Tuberous sclerosis 2 (TSC2). Identifiers: Orphanet 805, MedGen C1860707, MONDO:0013199, OMIM 613254.

Submissions (2):

Ambry Genetics
Classification: Uncertain significance for Hereditary cancer-predisposing syndrome. Last evaluated: 2025-11-18. Review status: criteria provided, single submitter. Criteria: Ambry Variant Classification Scheme 2023. Collection method: clinical testing. Allele origin: germline.
Comment: The p.L612V variant (also known as c.1834C>G), located in coding exon 16 of the TSC2 gene, results from a C to G substitution at nucleotide position 1834. The leucine at codon 612 is replaced by valine, an amino acid with highly similar properties. This amino acid position is conserved. In addition, the in silico prediction for this alteration is inconclusive. Based on the available evidence, the clinical significance of this variant remains unclear.

Labcorp Genetics (formerly Invitae), Labcorp
Classification: Uncertain significance for Tuberous sclerosis 2. Last evaluated: 2022-04-08. Review status: criteria provided, single submitter. Criteria: Invitae Variant Classification Sherloc (09022015). Collection method: clinical testing. Allele origin: germline.
Comment: Advanced modeling of protein sequence and biophysical properties (such as structural, functional, and spatial information, amino acid conservation, physicochemical variation, residue mobility, and thermodynamic stability) performed at Invitae indicates that this missense variant is not expected to disrupt TSC2 protein function. This sequence change replaces leucine, which is neutral and non-polar, with valine, which is neutral and non-polar, at codon 612 of the TSC2 protein (p.Leu612Val). This variant is not present in population databases (gnomAD no frequency). This variant has not been reported in the literature in individuals affected with TSC2-related conditions. ClinVar contains an entry for this variant (Variation ID: 942508). In summary, the available evidence is currently insufficient to determine the role of this variant in disease. Therefore, it has been classified as a Variant of Uncertain Significance.

NM_000548.5(TSC2):c.1834C>G (p.Leu612Val)

Gene: TSC2 (TSC complex subunit 2; plus strand). Cytogenetic location: 16p13.3.
Variant type: single nucleotide variant.
Coding change: c.1834C>G on transcript NM_000548.5 (MANE Select); coding-DNA position 1834, C replaced by G.
Protein change: p.Leu612Val; replaces leucine 612 with valine.
Molecular consequence: missense variant.
Genome position (GRCh38, 1-based): chr16:2,070,573, C>G. VCF-style: chr16-2070573-C-G. GRCh37 (hg19) VCF-style: chr16-2120574-C-G.
Other names: c.1834C>G, p.Leu612Val (NM_001077183.3, NM_001114382.3, NM_001363528.2 and 3 more transcripts); c.1723C>G, p.Leu575Val (NM_001318827.2); c.1687C>G, p.Leu563Val (NM_001318829.2); c.1234C>G, p.Leu412Val (NM_001318831.2); c.1867C>G, p.Leu623Val (NM_001318832.2); short protein forms L563V, L412V, L575V, L623V, L612V.
Identifiers: ClinVar variation 942508 (VCV000942508.10), dbSNP rs1192397083, ClinGen allele CA394273011.